The following is an entry in ClinVar:

NM_005876.5(SPEG):c.1054G>A (p.Glu352Lys)

Gene: SPEG (striated muscle enriched protein kinase; plus strand). Cytogenetic location: 2q35.
Variant type: single nucleotide variant.
Coding change: c.1054G>A on transcript NM_005876.5 (MANE Select); coding-DNA position 1054, G replaced by A.
Protein change: p.Glu352Lys; replaces glutamic acid 352 with lysine.
Molecular consequence: missense variant.
Genome position (GRCh38, 1-based): chr2:219,448,212, G>A. VCF-style: chr2-219448212-G-A. GRCh37 (hg19) VCF-style: chr2-220312934-G-A.
Other names: short protein forms E352K.
Identifiers: ClinVar variation 2187343 (VCV002187343.4), dbSNP rs906654699, ClinGen allele CA66004240.

ClinVar aggregate classification (germline): Uncertain significance (1 of 4 stars; one submission).

Allele frequency attached by ClinVar (database versions not stated): TOPMed below 0.00001; gnomAD 0.00001.
gnomAD v4.1: 1 of 1,612,418 alleles (0.000062%); highest among the groups gnomAD compares: African/African-American, 0.0013%; no homozygotes.

Submission:

Labcorp Genetics (formerly Invitae), Labcorp
Classification: Uncertain significance. Last evaluated: 2022-03-31. Review status: criteria provided, single submitter. Criteria: Invitae Variant Classification Sherloc (09022015). Collection method: clinical testing. Allele origin: germline.
Comment: In summary, the available evidence is currently insufficient to determine the role of this variant in disease. Therefore, it has been classified as a Variant of Uncertain Significance. Advanced modeling of protein sequence and biophysical properties (such as structural, functional, and spatial information, amino acid conservation, physicochemical variation, residue mobility, and thermodynamic stability) performed at Invitae indicates that this missense variant is expected to disrupt SPEG protein function. This variant has not been reported in the literature in individuals affected with SPEG-related conditions. This variant is not present in population databases (gnomAD no frequency). This sequence change replaces glutamic acid, which is acidic and polar, with lysine, which is basic and polar, at codon 352 of the SPEG protein (p.Glu352Lys).